The following is an entry in ClinVar:

NM_007294.4(BRCA1):c.68_70del (p.Glu23_Cys24delinsGly)

Gene: BRCA1 (BRCA1 DNA repair associated; minus strand). Cytogenetic location: 17q21.31.
Variant type: Deletion.
Coding change: c.68_70del on transcript NM_007294.4 (MANE Select); coding-DNA positions 68 to 70, 3 bases deleted (AGT; older notation c.68_70delAGT).
Protein change: p.Glu23_Cys24delinsGly.
Molecular consequence: inframe indel. On other transcripts: 5 prime UTR variant (136), intron variant (36).
Genome position (GRCh38, 1-based): chr17:43,124,027-43,124,029, ACT deleted on the plus strand (AGT on the coding strand, the reverse complement: BRCA1 is on the minus strand). VCF-style (leftmost placement, unchanged base first): chr17-43124026-CACT-C. GRCh37 (hg19) VCF-style: chr17-41276043-CACT-C.
Other names: c.68_70del, p.Glu23_Cys24delinsGly (NM_001408427.1, NM_001408428.1, NM_001408429.1 and 192 more transcripts); c.-193_-191del (NM_001408452.1, NM_001408462.1, NM_001408463.1 and 22 more transcripts); c.-20_-18del (NM_001408454.1, NM_001408459.1, NM_001408460.1 and 23 more transcripts); c.-190_-188del (NM_001408455.1, NM_001408456.1, NM_001408468.1 and 11 more transcripts); c.-194_-192del (NM_001408465.1, NM_001407695.1); c.-121_-119del (NM_001408478.1, NM_001408479.1, NM_001408480.1 and 46 more transcripts); c.-266_-264del (NM_001408482.1); c.-237_-235del (NM_001408492.1, NM_001407889.1); and 24 more.
Identifiers: ClinVar variation 438781 (VCV000438781.4), dbSNP rs1555600876, ClinGen allele CA645509508.

ClinVar aggregate classification (germline): Pathogenic (0 of 4 stars; one submission).

Conditions:
Breast-ovarian cancer, familial, susceptibility to, 1 (BROVCA1). Also called: BRCA1 Hereditary Breast and Ovarian Cancer; OVARIAN CANCER, SUSCEPTIBILITY TO. Identifiers: Orphanet 145, MedGen C2676676, MONDO:0011450, OMIM 604370. Disease mechanism: loss of function.

Submission:

Donald Williams Parsons Laboratory, Baylor College of Medicine
Classification: Pathogenic for Breast-ovarian cancer, familial, susceptibility to, 1. Last evaluated: 2015-07-30. Review status: no assertion criteria provided. Collection method: research. Allele origin: maternal. Inheritance: Autosomal dominant inheritance. Affected: yes. Observed: 1 variant allele, 1 heterozygote. Study: CSER-BASIC3.

Literature cited by the submitters: PubMed 7611277; PubMed 22535016; PubMed 22516946; PubMed 22009639; PubMed 24737347; PubMed 23867111; PubMed 23633455; PubMed 23658460; PubMed 22763381; PubMed 23086583; PubMed 19906413; PubMed 18594935; PubMed 21503673; PubMed 22430266; PubMed 20711688; PubMed 22752604; PubMed 22006311; PubMed 26822237.